The following is an entry in ClinVar:

NM_020184.4(CNNM4):c.2109C>T (p.Leu703=)

Gene: CNNM4 (cyclin and CBS domain divalent metal cation transport mediator 4; plus strand). Cytogenetic location: 2q11.2.
Variant type: single nucleotide variant.
Coding change: c.2109C>T on transcript NM_020184.4 (MANE Select); coding-DNA position 2109, C replaced by T.
Protein change: p.Leu703=; no amino-acid change (leucine 703 retained).
Molecular consequence: synonymous variant.
Genome position (GRCh38, 1-based): chr2:96,808,721, C>T. VCF-style: chr2-96808721-C-T. GRCh37 (hg19) VCF-style: chr2-97474458-C-T.
Other names: c.2109C>T (NM_020184.3).
Identifiers: ClinVar variation 1572475 (VCV001572475.10), dbSNP rs756325462, ClinGen allele CA1783564.

ClinVar aggregate classification (germline): Likely benign. Review status: criteria provided, multiple submitters, no conflicts (2 of 4 stars). 3 submissions from 3 submitters: Likely benign (3). Last evaluated 2024-12-19.

Conditions:
CNNM4-related disorder. Also called: CNNM4-related condition.

Allele frequency attached by ClinVar (database versions not stated): ExAC 0.00007.
gnomAD v4.1: 56 of 1,614,036 alleles (0.0035%); highest among the groups gnomAD compares: East Asian, 0.033%; 2 homozygotes.

Submissions (3):

PreventionGenetics, part of Exact Sciences
Classification: Likely benign for CNNM4-related condition. Last evaluated: 2024-12-19. Review status: criteria provided, single submitter. Criteria: ACMG Guidelines, 2015. Collection method: clinical testing. Allele origin: germline.
Comment: This variant is classified as likely benign based on ACMG/AMP sequence variant interpretation guidelines (Richards et al. 2015 PMID: 25741868, with internal and published modifications).

Labcorp Genetics (formerly Invitae), Labcorp
Classification: Likely benign. Last evaluated: 2024-05-22. Review status: criteria provided, single submitter. Criteria: Invitae Variant Classification Sherloc (09022015). Collection method: clinical testing. Allele origin: germline.

Blueprint Genetics
Classification: Likely benign. Last evaluated: 2023-01-09. Review status: criteria provided, single submitter. Criteria: ACMG Guidelines, 2015. Collection method: clinical testing. Allele origin: germline.